The following is an entry in ClinVar:

NM_000228.3(LAMB3):c.2346del (p.Thr783fs)

Gene: LAMB3 (laminin subunit beta 3; minus strand). Cytogenetic location: 1q32.2.
Variant type: Deletion.
Coding change: c.2346del on transcript NM_000228.3 (MANE Select); coding-DNA position 2346, one base deleted (C; older notation c.2346delC).
Protein change: p.Thr783fs; shifts the reading frame from threonine 783.
Molecular consequence: frameshift variant.
Genome position (GRCh38, 1-based): chr1:209,623,517, G deleted on the plus strand (C on the coding strand, the reverse complement: LAMB3 is on the minus strand); the first of 3 consecutive G bases (chr1:209,623,517-209,623,519); deleting any one gives the same sequence. VCF-style (leftmost placement, unchanged base first): chr1-209623516-TG-T. GRCh37 (hg19) VCF-style: chr1-209796861-TG-T.
Other names: c.2346del, p.Thr783fs (NM_001017402.2, NM_001127641.1); short protein forms T783fs.
Identifiers: ClinVar variation 370435 (VCV000370435.9), dbSNP rs1057516486, ClinGen allele CA16040691.

ClinVar aggregate classification (germline): Pathogenic. Review status: criteria provided, multiple submitters, no conflicts (2 of 4 stars). 3 submissions from 3 submitters: Pathogenic (2). 1 of the submissions does not count toward it. Last evaluated 2022-11-02.

Conditions:
Junctional epidermolysis bullosa gravis of Herlitz. Also called: Herlitz-type junctional epidermolysis bullosa; EPIDERMOLYSIS BULLOSA JUNCTIONALIS, HERLITZ TYPE; EPIDERMOLYSIS BULLOSA, JUNCTIONAL, HERLITZ-PEARSON TYPE; Epidermolysis Bullosa Letalis; JEB-HERLITZ TYPE; EPIDERMOLYSIS BULLOSA, JUNCTIONAL 1B, SEVERE. Identifiers: Orphanet 79404, MedGen C0079683, MONDO:0009182, OMIM 226700.

Submissions (3):

Labcorp Genetics (formerly Invitae), Labcorp
Classification: Pathogenic. Last evaluated: 2022-11-02. Review status: criteria provided, single submitter. Criteria: Invitae Variant Classification Sherloc (09022015). Collection method: clinical testing. Allele origin: germline.
Comment: For these reasons, this variant has been classified as Pathogenic. ClinVar contains an entry for this variant (Variation ID: 370435). This sequence change creates a premature translational stop signal (p.Thr783Profs*48) in the LAMB3 gene. It is expected to result in an absent or disrupted protein product. Loss-of-function variants in LAMB3 are known to be pathogenic (PMID: 11023379, 16473856). This variant is not present in population databases (gnomAD no frequency). This premature translational stop signal has been observed in individual(s) with junctional epidermolysis bullosa (PMID: 32484238). This variant is also known as p.P782fs.

GeneDx
Classification: Pathogenic. Last evaluated: 2015-08-20. Review status: criteria provided, single submitter. Criteria: GeneDx Variant Classification (06012015). Collection method: clinical testing. Allele origin: germline. Affected: yes.
Comment: The c.2346delC variant in the LAMB3 gene causes a frameshiftstarting with codon Threonine 783, changes this amino acid to a Proline residue and creates a premature Stop codon at position 48 of the new reading frame, denoted p.Thr783ProfsX48. This variant is predicted tocause loss of normal protein function either through protein truncation or nonsense-mediated mRNA decay. We interpret c.2346delC as a pathogenic variant.

Counsyl
Classification: Likely pathogenic for Junctional epidermolysis bullosa gravis of Herlitz. Last evaluated: 2016-02-09. Review status: no assertion criteria provided. Collection method: clinical testing. Allele origin: unknown. Not counted in ClinVar's aggregate classification.

Literature cited by the submitters: PubMed 11023379 (cited by Labcorp Genetics (formerly Invitae), Labcorp); PubMed 16473856 (cited by Labcorp Genetics (formerly Invitae), Labcorp); PubMed 32484238 (cited by Labcorp Genetics (formerly Invitae), Labcorp).